The following is an entry in ClinVar:

ClinVar aggregate classification (germline): Uncertain significance (1 of 4 stars; one submission).

Submission:

Labcorp Genetics (formerly Invitae), Labcorp
Classification: Uncertain significance. Last evaluated: 2025-04-29. Review status: criteria provided, single submitter. Criteria: Invitae Variant Classification Sherloc (09022015). Collection method: clinical testing. Allele origin: germline.
Comment: This sequence change replaces glycine, which is neutral and non-polar, with arginine, which is basic and polar, at codon 158 of the TCF20 protein (p.Gly158Arg). This variant is not present in population databases (gnomAD no frequency). This variant has not been reported in the literature in individuals affected with TCF20-related conditions. ClinVar contains an entry for this variant (Variation ID: 3674649). An algorithm developed to predict the effect of missense changes on protein structure and function (PolyPhen-2) suggests that this variant is likely to be disruptive. In summary, the available evidence is currently insufficient to determine the role of this variant in disease. Therefore, it has been classified as a Variant of Uncertain Significance.

NM_001378418.1(TCF20):c.472G>A (p.Gly158Arg)

Gene: TCF20 (transcription factor 20; minus strand). Cytogenetic location: 22q13.2.
Variant type: single nucleotide variant.
Coding change: c.472G>A on transcript NM_001378418.1 (MANE Select); coding-DNA position 472, G replaced by A.
Protein change: p.Gly158Arg; replaces glycine 158 with arginine.
Molecular consequence: missense variant.
Genome position (GRCh38, 1-based): chr22:42,214,834, C>T on the plus strand (G>A on the coding strand, the complement: TCF20 is on the minus strand). VCF-style: chr22-42214834-C-T. GRCh37 (hg19) VCF-style: chr22-42610840-C-T.
Other names: c.472G>A, p.Gly158Arg (NM_005650.4, NM_181492.3); short protein forms G158R.
Identifiers: ClinVar variation 3674649 (VCV003674649.2).